The following is an entry in ClinVar:

ClinVar aggregate classification (germline): Uncertain significance (1 of 4 stars; one submission).

Conditions:
Costello syndrome (CSTLO). Also called: FACIOCUTANEOSKELETAL SYNDROME; FCS SYNDROME; HRAS-Related Costello Syndrome. Identifiers: Orphanet 3071, MedGen C0587248, MONDO:0009026, OMIM 218040.

Allele frequency attached by ClinVar (database versions not stated): gnomAD exomes below 0.00001.
gnomAD v4.1: 1 of 1,613,866 alleles (0.000062%); highest among the groups gnomAD compares: Non-Finnish European, 0.000085%; no homozygotes.

Submission:

Labcorp Genetics (formerly Invitae), Labcorp
Classification: Uncertain significance for Costello syndrome. Last evaluated: 2022-02-20. Review status: criteria provided, single submitter. Criteria: Invitae Variant Classification Sherloc (09022015). Collection method: clinical testing. Allele origin: germline.
Comment: In summary, the available evidence is currently insufficient to determine the role of this variant in disease. Therefore, it has been classified as a Variant of Uncertain Significance. Advanced modeling of protein sequence and biophysical properties (such as structural, functional, and spatial information, amino acid conservation, physicochemical variation, residue mobility, and thermodynamic stability) performed at Invitae indicates that this missense variant is not expected to disrupt HRAS protein function. This variant has not been reported in the literature in individuals affected with HRAS-related conditions. This variant is not present in population databases (gnomAD no frequency). This sequence change replaces alanine, which is neutral and non-polar, with threonine, which is neutral and polar, at codon 122 of the HRAS protein (p.Ala122Thr).

NM_005343.4(HRAS):c.364G>A (p.Ala122Thr)

Genes: HRAS (HRas proto-oncogene, GTPase; minus strand), LRRC56 (leucine rich repeat containing 56; plus strand). Cytogenetic location: 11p15.5.
Variant type: single nucleotide variant.
Coding change: c.364G>A on transcript NM_005343.4 (MANE Select); coding-DNA position 364, G replaced by A.
Protein change: p.Ala122Thr; replaces alanine 122 with threonine.
Molecular consequence: missense variant. On other transcripts: synonymous variant (1).
Genome position (GRCh38, 1-based): chr11:533,539, C>T on the plus strand (G>A on the coding strand, the complement: HRAS is on the minus strand). VCF-style: chr11-533539-C-T. GRCh37 (hg19) VCF-style: chr11-533539-C-T.
Other names: c.364G>A, p.Ala122Thr (NM_001130442.3, NM_176795.5); c.45G>A, p.Leu15= (NM_001318054.2); short protein forms A122T.
Identifiers: ClinVar variation 1435264 (VCV001435264.6), dbSNP rs1851244921, ClinGen allele CA378923331.